The following is an entry in ClinVar:

NM_000016.6(ACADM):c.289G>A (p.Gly97Ser)

Gene: ACADM (acyl-CoA dehydrogenase medium chain; plus strand). Cytogenetic location: 1p31.1.
Variant type: single nucleotide variant.
Coding change: c.289G>A on transcript NM_000016.6 (MANE Select); coding-DNA position 289, G replaced by A.
Protein change: p.Gly97Ser; replaces glycine 97 with serine.
Molecular consequence: missense variant. On other transcripts: intron variant (1).
Genome position (GRCh38, 1-based): chr1:75,733,530, G>A. VCF-style: chr1-75733530-G-A. GRCh37 (hg19) VCF-style: chr1-76199215-G-A.
Other names: c.301G>A, p.Gly101Ser (NM_001127328.3); c.181G>A, p.Gly61Ser (NM_001286042.2); c.388G>A, p.Gly130Ser (NM_001286043.2); c.-100+608G>A (NM_001286044.2); short protein forms G101S, G61S, G97S, G130S.
Identifiers: ClinVar variation 959802 (VCV000959802.9), dbSNP rs1553123053, ClinGen allele CA340811733.

ClinVar aggregate classification (germline): Uncertain significance (1 of 4 stars; one submission).

Conditions:
Medium-chain acyl-coenzyme A dehydrogenase deficiency (ACADMD). Also called: MCADD; ACADM DEFICIENCY; CARNITINE DEFICIENCY SECONDARY TO MEDIUM-CHAIN ACYL-CoA DEHYDROGENASE DEFICIENCY; MCADH DEFICIENCY; Medium chain acyl-CoA dehydrogenase deficiency; MCAD Deficiency. Identifiers: Orphanet 42, MedGen C0220710, MONDO:0008721, OMIM 201450.

Submission:

Labcorp Genetics (formerly Invitae), Labcorp
Classification: Uncertain significance for Medium-chain acyl-coenzyme A dehydrogenase deficiency. Last evaluated: 2019-10-28. Review status: criteria provided, single submitter. Criteria: Invitae Variant Classification Sherloc (09022015). Collection method: clinical testing. Allele origin: germline.
Comment: This sequence change replaces glycine with serine at codon 97 of the ACADM protein (p.Gly97Ser). The glycine residue is highly conserved and there is a small physicochemical difference between glycine and serine. This variant is not present in population databases (ExAC no frequency). Algorithms developed to predict the effect of missense changes on protein structure and function (SIFT, PolyPhen-2, Align-GVGD) all suggest that this variant is likely to be disruptive, but these predictions have not been confirmed by published functional studies and their clinical significance is uncertain. In summary, the available evidence is currently insufficient to determine the role of this variant in disease. Therefore, it has been classified as a Variant of Uncertain Significance.